The following is an entry in ClinVar:

NM_001042492.3(NF1):c.4369A>C (p.Lys1457Gln)

Gene: NF1 (neurofibromin 1; plus strand). Cytogenetic location: 17q11.2.
Variant type: single nucleotide variant.
Coding change: c.4369A>C on transcript NM_001042492.3 (MANE Select); coding-DNA position 4369, A replaced by C.
Protein change: p.Lys1457Gln; replaces lysine 1457 with glutamine.
Molecular consequence: missense variant.
Genome position (GRCh38, 1-based): chr17:31,259,068, A>C. VCF-style: chr17-31259068-A-C. GRCh37 (hg19) VCF-style: chr17-29586086-A-C.
Other names: c.4306A>C, p.Lys1436Gln (NM_000267.4); short protein forms K1436Q, K1457Q.
Identifiers: ClinVar variation 577061 (VCV000577061.9), dbSNP rs878853893, ClinGen allele CA398998798.

ClinVar aggregate classification (germline): Pathogenic. Review status: criteria provided, multiple submitters, no conflicts (2 of 4 stars). 2 submissions from 2 submitters: Pathogenic (2). Last evaluated 2025-04-24.

Conditions:
Neurofibromatosis, type 1 (NF1). Also called: Peripheral type neurofibromatosis; Neurofibromatosis, type I; VON RECKLINGHAUSEN DISEASE; NEUROFIBROMATOSIS, TYPE I, SOMATIC. Identifiers: Orphanet 636, MedGen C0027831, MONDO:0018975, OMIM 162200. Disease mechanism: loss of function.

Submissions (2):

GeneDx
Classification: Pathogenic. Last evaluated: 2025-04-24. Review status: criteria provided, single submitter. Criteria: GeneDx Variant Classification Process June 2021. Collection method: clinical testing. Allele origin: germline. Affected: yes.
Comment: Published functional studies demonstrate a damaging effect: significantly elevated GTP-bound RAS in comparison to wild-type (PMID: 22807134); Not observed at significant frequency in large population cohorts (gnomAD); In silico analysis supports that this missense variant has a deleterious effect on protein structure/function; This variant is associated with the following publications: (PMID: 22807134, 28529006, 24789688, 36625546, 25486365)

Labcorp Genetics (formerly Invitae), Labcorp
Classification: Pathogenic for Neurofibromatosis, type 1. Last evaluated: 2024-04-22. Review status: criteria provided, single submitter. Criteria: Invitae Variant Classification Sherloc (09022015). Collection method: clinical testing. Allele origin: germline.
Comment: This sequence change replaces lysine, which is basic and polar, with glutamine, which is neutral and polar, at codon 1436 of the NF1 protein (p.Lys1436Gln). This variant is not present in population databases (gnomAD no frequency). This missense change has been observed in individual(s) with neurofibromatosis type 1 (PMID: 21520333, 22807134, 24789688; Invitae). ClinVar contains an entry for this variant (Variation ID: 577061). Advanced modeling of protein sequence and biophysical properties (such as structural, functional, and spatial information, amino acid conservation, physicochemical variation, residue mobility, and thermodynamic stability) performed at Invitae indicates that this missense variant is expected to disrupt NF1 protein function with a positive predictive value of 95%. Experimental studies have shown that this missense change affects NF1 function (PMID: 22807134). This variant disrupts the p.Lys1436 amino acid residue in NF1. Other variant(s) that disrupt this residue have been determined to be pathogenic (PMID: 21354044, 23913538, 24789688; Invitae). This suggests that this residue is clinically significant, and that variants that disrupt this residue are likely to be disease-causing. For these reasons, this variant has been classified as Pathogenic.

Literature cited by the submitters: PubMed 21520333 (cited by Labcorp Genetics (formerly Invitae), Labcorp); PubMed 22807134 (cited by Labcorp Genetics (formerly Invitae), Labcorp); PubMed 24789688 (cited by Labcorp Genetics (formerly Invitae), Labcorp); PubMed 21354044 (cited by Labcorp Genetics (formerly Invitae), Labcorp); PubMed 23913538 (cited by Labcorp Genetics (formerly Invitae), Labcorp).